The following is an entry in ClinVar:

NM_001129.5(AEBP1):c.3237G>A (p.Glu1079=)

Gene: AEBP1 (AE binding protein 1; plus strand). Cytogenetic location: 7p13.
Variant type: single nucleotide variant.
Coding change: c.3237G>A on transcript NM_001129.5 (MANE Select); coding-DNA position 3237, G replaced by A.
Protein change: p.Glu1079=; no amino-acid change (glutamic acid 1079 retained).
Molecular consequence: synonymous variant.
Genome position (GRCh38, 1-based): chr7:44,114,021, G>A. VCF-style: chr7-44114021-G-A. GRCh37 (hg19) VCF-style: chr7-44153620-G-A.
Other names: c.3237G>A (NM_001129.4).
Identifiers: ClinVar variation 2416130 (VCV002416130.9), dbSNP rs762489269, ClinGen allele CA4238441.

ClinVar aggregate classification (germline): Likely benign. Review status: criteria provided, single submitter (1 of 4 stars). 2 submissions from 2 submitters: Likely benign (1). 1 of the submissions does not count toward it. Last evaluated 2025-12-12.

Conditions:
AEBP1-related disorder. Also called: AEBP1-related condition.

gnomAD v4.1: 38 of 1,607,788 alleles (0.0024%); highest among the groups gnomAD compares: Admixed American, 0.047%; no homozygotes.

Submissions (2):

Labcorp Genetics (formerly Invitae), Labcorp
Classification: Likely benign. Last evaluated: 2025-12-12. Review status: criteria provided, single submitter. Criteria: Invitae Variant Classification Sherloc (09022015). Collection method: clinical testing. Allele origin: germline.

PreventionGenetics, part of Exact Sciences
Classification: Likely benign for AEBP1-related condition. Last evaluated: 2019-04-30. Review status: no assertion criteria provided. Collection method: clinical testing. Allele origin: germline. Not counted in ClinVar's aggregate classification.
Comment: This variant is classified as likely benign based on ACMG/AMP sequence variant interpretation guidelines (Richards et al. 2015 PMID: 25741868, with internal and published modifications).